The following is an entry in ClinVar:

ClinVar aggregate classification (germline): Benign/Likely benign. Review status: criteria provided, multiple submitters, no conflicts (2 of 4 stars). 3 submissions from 3 submitters: Benign (1); Likely benign (2). Last evaluated 2026-06-10.

Conditions:
Inborn genetic diseases. Identifiers: MedGen C0950123, MeSH D030342.
Tumor predisposition syndrome 2 (TPDS2). Also called: MBD4-ASSOCIATED NEOPLASIA SYNDROME; MBD4-Related Tumor Predisposition Syndrome; MBD4-associated neoplasia syndrome (MANS). Identifiers: Orphanet 661526, MedGen C5774186, MONDO:0859267, OMIM 619975.

Allele frequency attached by ClinVar (database versions not stated): gnomAD exomes 0.00001; ExAC 0.00002.
gnomAD v4.1: 11 of 1,614,134 alleles (0.00068%); highest among the groups gnomAD compares: Admixed American, 0.005%; no homozygotes.

Submissions (3):

Myriad Genetics, Inc.
Classification: Benign for Tumor predisposition syndrome 2. Last evaluated: 2026-06-10. Review status: criteria provided, single submitter. Criteria: Myriad Autosomal Dominant, Autosomal Recessive and X-Linked Classification Criteria (2023). Collection method: clinical testing. Allele origin: unknown.
Comment: This variant is considered benign. This variant is a silent/synonymous amino acid change and it is not expected to impact splicing.

Labcorp Genetics (formerly Invitae), Labcorp
Classification: Likely benign. Last evaluated: 2026-01-22. Review status: criteria provided, single submitter. Criteria: Invitae Variant Classification Sherloc (09022015). Collection method: clinical testing. Allele origin: germline.

Ambry Genetics
Classification: Likely benign for Inborn genetic diseases. Last evaluated: 2025-01-07. Review status: criteria provided, single submitter. Criteria: Ambry Variant Classification Scheme 2023. Collection method: clinical testing. Allele origin: germline.

NM_001276270.2(MBD4):c.849G>A (p.Gln283=)

Gene: MBD4 (methyl-CpG binding domain 4, DNA glycosylase; minus strand). Cytogenetic location: 3q21.3.
Variant type: single nucleotide variant.
Coding change: c.849G>A on transcript NM_001276270.2 (MANE Select); coding-DNA position 849, G replaced by A.
Protein change: p.Gln283=; no amino-acid change (glutamine 283 retained).
Molecular consequence: synonymous variant. On other transcripts: intron variant (1).
Genome position (GRCh38, 1-based): chr3:129,436,795, C>T on the plus strand (G>A on the coding strand, the complement: MBD4 is on the minus strand). VCF-style: chr3-129436795-C-T. GRCh37 (hg19) VCF-style: chr3-129155638-C-T.
Other names: c.849G>A, p.Gln283= (NM_001276271.2, NM_001276272.2, NM_003925.3); c.247+1013G>A (NM_001276273.2).
Identifiers: ClinVar variation 2870385 (VCV002870385.5), dbSNP rs774571074, ClinGen allele CA2605458.